The following is an entry in ClinVar:

NM_006306.4(SMC1A):c.1769G>T (p.Gly590Val)

Gene: SMC1A (structural maintenance of chromosomes 1A; minus strand). Cytogenetic location: Xp11.22.
Variant type: single nucleotide variant.
Coding change: c.1769G>T on transcript NM_006306.4 (MANE Select); coding-DNA position 1769, G replaced by T.
Protein change: p.Gly590Val; replaces glycine 590 with valine.
Molecular consequence: missense variant.
Genome position (GRCh38, 1-based): chrX:53,405,635, C>A on the plus strand (G>T on the coding strand, the complement: SMC1A is on the minus strand). VCF-style: chrX-53405635-C-A. GRCh37 (hg19) VCF-style: chrX-53432567-C-A.
Other names: c.1703G>T, p.Gly568Val (NM_001281463.1); short protein forms G568V, G590V.
Identifiers: ClinVar variation 5019417 (VCV005019417.2).
Genomic context (GRCh38, chrX:53,405,635, plus strand): 5'-TGCAGGGCCTTTTTGATATGAGGTGGCTCATAGCGAATCACATCAATCACTAGCTTGGCC[C>A]CCTTCAGCTCCCGGAGTTTCTCATCTGTAGGCTTCACCTGTGGGGAGAAGCTCAGTCAGT-3'
Protein context (NP_006297.2, residues 580-600): PTDEKLRELK[Gly590Val]AKLVIDVIRY

ClinVar aggregate classification (germline): Uncertain significance (1 of 4 stars; one submission).

Conditions:
Developmental and epileptic encephalopathy, 85, with or without midline brain defects. Also called: EPILEPTIC ENCEPHALOPATHY, EARLY INFANTILE, 85, WITH OR WITHOUT MIDLINE BRAIN DEFECTS. Identifiers: MedGen C5393312, MONDO:0026771, OMIM 301044.
Congenital muscular hypertrophy-cerebral syndrome (CDLS2). Also called: SMC1A-Related Cornelia de Lange Syndrome; Cornelia de Lange syndrome 2. Identifiers: Orphanet 199, MedGen C1802395, MONDO:0010370, OMIM 300590.

Submission:

Juno Genomics, Hangzhou Juno Genomics, Inc
Classification: Uncertain significance for Congenital muscular hypertrophy-cerebral syndrome; Developmental and epileptic encephalopathy, 85, with or without midline brain defects. Review status: criteria provided, single submitter. Criteria: ACMG Guidelines, 2015. Collection method: clinical testing. Allele origin: germline.
Comment: Absent from controls (or at extremely low frequency if recessive) in Genome Aggregation Database.;Missense variant in a gene that has a low rate of benign missense variation.;Multiple lines of computational evidence support a deleterious effect on the gene or gene product.